The following is an entry in ClinVar:

NM_005422.4(TECTA):c.2810G>A (p.Arg937His)

Genes: TBCEL-TECTA (TBCEL-TECTA readthrough; plus strand), TECTA (tectorin alpha; plus strand), LOC126861365 (P300/CBP strongly-dependent group 1 enhancer GRCh37_chr11:121000154-121001353; plus strand). Cytogenetic location: 11q23.3.
Variant type: single nucleotide variant.
Coding change: c.2810G>A on transcript NM_005422.4 (MANE Select); coding-DNA position 2810, G replaced by A.
Protein change: p.Arg937His; replaces arginine 937 with histidine.
Molecular consequence: missense variant.
Genome position (GRCh38, 1-based): chr11:121,130,080, G>A. VCF-style: chr11-121130080-G-A. GRCh37 (hg19) VCF-style: chr11-121000789-G-A.
Other names: c.3767G>A, p.Arg1256His (NM_001378761.1); short protein forms R1256H, R937H.
Identifiers: ClinVar variation 3730933 (VCV003730933.3).

ClinVar aggregate classification (germline): Uncertain significance. Review status: criteria provided, multiple submitters, no conflicts (2 of 4 stars). 3 submissions from 3 submitters: Uncertain significance (3). Last evaluated 2026-01-15.

Conditions:
Inborn genetic diseases. Identifiers: MedGen C0950123, MeSH D030342.
TECTA-related disorder. Also called: TECTA-related condition.

gnomAD v4.1: 6 of 1,613,826 alleles (0.00037%); highest among the groups gnomAD compares: Non-Finnish European, 0.00051%; no homozygotes.

Submissions (3):

PreventionGenetics, part of Exact Sciences
Classification: Uncertain significance for TECTA-related condition. Last evaluated: 2026-01-15. Review status: criteria provided, single submitter. Criteria: ACMG Guidelines, 2015. Collection method: clinical testing. Allele origin: germline.
Comment: The TECTA c.2810G>A variant is predicted to result in the amino acid substitution p.Arg937His. To our knowledge, this variant has not been reported in the literature or in a large population database (gnomAD), indicating this variant is rare. At this time, the clinical significance of this variant is uncertain due to the absence of conclusive functional and genetic evidence.

Ambry Genetics
Classification: Uncertain significance for Inborn genetic diseases. Last evaluated: 2025-02-13. Review status: criteria provided, single submitter. Criteria: Ambry Variant Classification Scheme 2023. Collection method: clinical testing. Allele origin: germline.

GeneDx
Classification: Uncertain significance. Last evaluated: 2024-08-13. Review status: criteria provided, single submitter. Criteria: GeneDx Variant Classification Process June 2021. Collection method: clinical testing. Allele origin: germline. Affected: yes.
Comment: Not observed at significant frequency in large population cohorts (gnomAD); In silico analysis indicates that this missense variant does not alter protein structure/function; Located in the ZA, zonadhesin domain (PMID: 21520338, 31554319, 9590290); Has not been previously published as pathogenic or benign to our knowledge; This variant is associated with the following publications: (PMID: 21520338, 31554319, 9590290)